The following is an entry in ClinVar:

ClinVar aggregate classification (germline): Likely benign (0 of 4 stars; one submission).

Conditions:
PLXNA3-related disorder. Also called: PLXNA3-related condition.

Allele frequency attached by ClinVar (database versions not stated): gnomAD 0.00003; TOPMed 0.00003; ExAC 0.00005; gnomAD exomes 0.00005.
gnomAD v4.1: 27 of 1,209,875 alleles (0.0022%); highest among the groups gnomAD compares: Admixed American, 0.044%; no homozygotes.

Submission:

PreventionGenetics, part of Exact Sciences
Classification: Likely benign for PLXNA3-related condition. Last evaluated: 2022-05-05. Review status: no assertion criteria provided. Collection method: clinical testing. Allele origin: germline.
Comment: This variant is classified as likely benign based on ACMG/AMP sequence variant interpretation guidelines (Richards et al. 2015 PMID: 25741868, with internal and published modifications).

NM_017514.5(PLXNA3):c.4287+4C>T

Gene: PLXNA3 (plexin A3; plus strand). Cytogenetic location: Xq28.
Variant type: single nucleotide variant.
Coding change: c.4287+4C>T on transcript NM_017514.5 (MANE Select); 4 bases into the intron after coding-DNA position 4287, C replaced by T.
Molecular consequence: intron variant.
Genome position (GRCh38, 1-based): chrX:154,468,733, C>T. VCF-style: chrX-154468733-C-T. GRCh37 (hg19) VCF-style: chrX-153697076-C-T.
Identifiers: ClinVar variation 3036254 (VCV003036254.2), dbSNP rs781986296, ClinGen allele CA10564847.
Genomic context (GRCh38, chrX:154,468,733, plus strand): 5'-GTGGCTGAGAAGATGCTTACCAACTGGTTCACGTTCCTGCTGCATAAGTTTCTGAAGGTG[C>T]GCCAGGTGGGTGGGCGGCAGGGAGGTGGTGGCAGAGGACCGGCCAGTGGTCAGGCAGGCA-3'